The following is an entry in ClinVar:

NM_000458.4(HNF1B):c.1111_1116inv (p.Asn371_Ser372delinsAlaVal)

Gene: HNF1B (HNF1 homeobox B; minus strand). Cytogenetic location: 17q12.
Variant type: Inversion.
Coding change: c.1111_1116inv on transcript NM_000458.4 (MANE Select).
Protein change: p.Asn371_Ser372delinsAlaVal.
Molecular consequence: missense variant.
Genome position: GRCh38 VCF-style: chr17-37710593-GCTGTT-AACAGC. GRCh37 (hg19) VCF-style: chr17-36070601-GCTGTT-AACAGC.
Other names: c.1033_1038inv, p.Asn345_Ser346delinsAlaVal (NM_001165923.4, NM_001304286.2); c.1111_1116inv, p.Asn371_Ser372delinsAlaVal (NM_001411100.1).
Identifiers: ClinVar variation 2864643 (VCV002864643.3), ClinGen allele CA2739267514.

ClinVar aggregate classification (germline): Uncertain significance (1 of 4 stars; one submission).

Submission:

Labcorp Genetics (formerly Invitae), Labcorp
Classification: Uncertain significance. Last evaluated: 2023-05-23. Review status: criteria provided, single submitter. Criteria: Invitae Variant Classification Sherloc (09022015). Collection method: clinical testing. Allele origin: germline.
Comment: Information on the frequency of this variant in the gnomAD database is not available, as this variant may be reported differently in the database. This variant has not been reported in the literature in individuals affected with HNF1B-related conditions. In summary, the available evidence is currently insufficient to determine the role of this variant in disease. Therefore, it has been classified as a Variant of Uncertain Significance. This variant, c.1111_1116delinsGCTGTT, is a complex sequence change that results in the deletion of 2 and insertion of 2 amino acid(s) in the HNF1B protein (p.Asn371_Ser372delinsAlaVal).